The following is an entry in ClinVar:

ClinVar aggregate classification (germline): Conflicting classifications of pathogenicity. Review status: criteria provided, conflicting classifications (1 of 4 stars). 2 submissions from 2 submitters: Uncertain significance (1); Likely benign (1). Last evaluated 2025-12-16.

Conditions:
Cardiovascular phenotype. Identifiers: MedGen CN230736.
Dilated cardiomyopathy 1DD (CMD1DD). Identifiers: Orphanet 154, MedGen C2750995, MONDO:0013168, OMIM 613172.

Allele frequency attached by ClinVar (database versions not stated): gnomAD exomes below 0.00001; gnomAD 0.00004 and 0.00005; TOPMed 0.00010.
gnomAD v4.1: 13 of 1,514,302 alleles (0.00086%); highest among the groups gnomAD compares: Admixed American, 0.0083%; no homozygotes.

Submissions (2):

Labcorp Genetics (formerly Invitae), Labcorp
Classification: Likely benign for Dilated cardiomyopathy 1DD. Last evaluated: 2025-12-16. Review status: criteria provided, single submitter. Criteria: Invitae Variant Classification Sherloc (09022015). Collection method: clinical testing. Allele origin: germline.

Ambry Genetics
Classification: Uncertain significance for Cardiovascular phenotype. Last evaluated: 2024-04-19. Review status: criteria provided, single submitter. Criteria: Ambry Variant Classification Scheme 2023. Collection method: clinical testing. Allele origin: germline.
Comment: The p.A5V variant (also known as c.14C>T), located in coding exon 1 of the RBM20 gene, results from a C to T substitution at nucleotide position 14. The alanine at codon 5 is replaced by valine, an amino acid with similar properties. This alteration has been reported in a sudden unexplained death cohort (Lin Y et al. Circ Cardiovasc Genet, 2017 Dec;10:). This amino acid position is highly conserved in available vertebrate species. In addition, this alteration is predicted to be tolerated by in silico analysis. Based on the available evidence, the clinical significance of this variant remains unclear.

Literature cited by the submitters: PubMed 29247119 (cited by Ambry Genetics).

NM_001134363.3(RBM20):c.14C>T (p.Ala5Val)

Gene: RBM20 (RNA binding motif protein 20; plus strand). Cytogenetic location: 10q25.2.
Variant type: single nucleotide variant.
Coding change: c.14C>T on transcript NM_001134363.3 (MANE Select); coding-DNA position 14, C replaced by T.
Protein change: p.Ala5Val; replaces alanine 5 with valine.
Molecular consequence: missense variant.
Genome position (GRCh38, 1-based): chr10:110,644,468, C>T. VCF-style: chr10-110644468-C-T. GRCh37 (hg19) VCF-style: chr10-112404226-C-T.
Other names: c.14C>T (NM_001134363.1); short protein forms A5V.
Identifiers: ClinVar variation 1368323 (VCV001368323.9), dbSNP rs1488746272, ClinGen allele CA378527267.